The following is an entry in ClinVar:

NM_020812.4(DOCK6):c.2059G>A (p.Val687Met)

Gene: DOCK6 (dedicator of cytokinesis 6; minus strand). Cytogenetic location: 19p13.2.
Variant type: single nucleotide variant.
Coding change: c.2059G>A on transcript NM_020812.4 (MANE Select); coding-DNA position 2059, G replaced by A.
Protein change: p.Val687Met; replaces valine 687 with methionine.
Molecular consequence: missense variant.
Genome position (GRCh38, 1-based): chr19:11,237,470, C>T on the plus strand (G>A on the coding strand, the complement: DOCK6 is on the minus strand). VCF-style: chr19-11237470-C-T. GRCh37 (hg19) VCF-style: chr19-11348146-C-T.
Other names: c.2059G>A, p.Val687Met (NM_001367830.1); short protein forms V687M.
Identifiers: ClinVar variation 2384322 (VCV002384322.7), dbSNP rs751068313, ClinGen allele CA9207755.

ClinVar aggregate classification (germline): Uncertain significance. Review status: criteria provided, multiple submitters, no conflicts (2 of 4 stars). 2 submissions from 2 submitters: Uncertain significance (2). Last evaluated 2022-10-27.

Conditions:
Inborn genetic diseases. Identifiers: MedGen C0950123, MeSH D030342.

Allele frequency attached by ClinVar (database versions not stated): gnomAD 0.00001; gnomAD exomes 0.00001; 1000 Genomes Project 30x 0.00016; ExAC 0.00001.

Submissions (2):

Labcorp Genetics (formerly Invitae), Labcorp
Classification: Uncertain significance. Last evaluated: 2022-10-27. Review status: criteria provided, single submitter. Criteria: Invitae Variant Classification Sherloc (09022015). Collection method: clinical testing. Allele origin: germline.
Comment: This variant has not been reported in the literature in individuals affected with DOCK6-related conditions. This sequence change replaces valine, which is neutral and non-polar, with methionine, which is neutral and non-polar, at codon 687 of the DOCK6 protein (p.Val687Met). This variant is present in population databases (rs751068313, gnomAD 0.006%). Algorithms developed to predict the effect of missense changes on protein structure and function output the following: SIFT: "Tolerated"; PolyPhen-2: "Benign"; Align-GVGD: "Class C0". The methionine amino acid residue is found in multiple mammalian species, which suggests that this missense change does not adversely affect protein function. In summary, the available evidence is currently insufficient to determine the role of this variant in disease. Therefore, it has been classified as a Variant of Uncertain Significance.

Ambry Genetics
Classification: Uncertain significance for Inborn genetic diseases. Last evaluated: 2022-04-12. Review status: criteria provided, single submitter. Criteria: Ambry Variant Classification Scheme 2023. Collection method: clinical testing. Allele origin: germline.